The following is an entry in ClinVar:

NM_006440.5(TXNRD2):c.382A>T (p.Met128Leu)

Gene: TXNRD2 (thioredoxin reductase 2; minus strand). Cytogenetic location: 22q11.21.
Variant type: single nucleotide variant.
Coding change: c.382A>T on transcript NM_006440.5 (MANE Select); coding-DNA position 382, A replaced by T.
Protein change: p.Met128Leu; replaces methionine 128 with leucine.
Molecular consequence: missense variant. On other transcripts: non-coding transcript variant (1).
Genome position (GRCh38, 1-based): chr22:19,918,210, T>A on the plus strand (A>T on the coding strand, the complement: TXNRD2 is on the minus strand). VCF-style: chr22-19918210-T-A. GRCh37 (hg19) VCF-style: chr22-19905733-T-A.
Other names: c.382A>T, p.Met128Leu (NM_001282512.3); c.379A>T, p.Met127Leu (NM_001352300.2); c.292A>T, p.Met98Leu (NM_001352301.2); c.94A>T, p.Met32Leu (NM_001352302.2); c.286A>T, p.Met96Leu (NM_001352303.2); short protein forms M127L, M128L, M32L, M96L, M98L.
Identifiers: ClinVar variation 850888 (VCV000850888.8), dbSNP rs1940724639, ClinGen allele CA410693596.

ClinVar aggregate classification (germline): Uncertain significance (1 of 4 stars; one submission).

Conditions:
Primary dilated cardiomyopathy (DCM). Also called: Dilated Cardiomyopathy. Identifiers: Orphanet 217604, MedGen C0007193, MeSH D002311, MONDO:0005021, HP:0001644. Inheritance: Various modes of inheritance.

Submission:

Labcorp Genetics (formerly Invitae), Labcorp
Classification: Uncertain significance for Primary dilated cardiomyopathy. Last evaluated: 2019-01-29. Review status: criteria provided, single submitter. Criteria: Invitae Variant Classification Sherloc (09022015). Collection method: clinical testing. Allele origin: germline.
Comment: This sequence change replaces methionine with leucine at codon 128 of the TXNRD2 protein (p.Met128Leu). The methionine residue is highly conserved and there is a small physicochemical difference between methionine and leucine. In summary, the available evidence is currently insufficient to determine the role of this variant in disease. Therefore, it has been classified as a Variant of Uncertain Significance. Algorithms developed to predict the effect of missense changes on protein structure and function (SIFT, PolyPhen-2, Align-GVGD) all suggest that this variant is likely to be tolerated, but these predictions have not been confirmed by published functional studies and their clinical significance is uncertain. This variant has not been reported in the literature in individuals with TXNRD2-related conditions. This variant is not present in population databases (ExAC no frequency).